The following is an entry in ClinVar:

NM_001365536.1(SCN9A):c.400T>A (p.Cys134Ser)

Gene: SCN9A (sodium voltage-gated channel alpha subunit 9; minus strand). Cytogenetic location: 2q24.3.
Variant type: single nucleotide variant.
Coding change: c.400T>A on transcript NM_001365536.1 (MANE Select); coding-DNA position 400, T replaced by A.
Protein change: p.Cys134Ser; replaces cysteine 134 with serine.
Molecular consequence: missense variant.
Genome position (GRCh38, 1-based): chr2:166,306,577, A>T on the plus strand (T>A on the coding strand, the complement: SCN9A is on the minus strand). VCF-style: chr2-166306577-A-T. GRCh37 (hg19) VCF-style: chr2-167163087-A-T.
Other names: c.400T>A, p.Cys134Ser (NM_002977.4); short protein forms C134S.
Identifiers: ClinVar variation 1345077 (VCV001345077.6), dbSNP rs779079123, ClinGen allele CA349095445.
Genomic context (GRCh38, chr2:166,306,577, plus strand): 5'-TTTTGGTCCAGTCCGGTGGGTTATTCATGGTCATAAATATGCAGTTTGTCAGAATAGTGC[A>T]CATGATGAGCATGCTGAATAAGGTAGCTTAGAATCAAGGAACAAAAGAGACGACAGTGGG-3'
Protein context (NP_001352465.1, residues 124-144): VHSLFSMLIM[Cys134Ser]TILTNCIFMT

ClinVar aggregate classification (germline): Uncertain significance (1 of 4 stars; one submission).

Conditions:
Neuropathy, hereditary sensory and autonomic, type 2A (HSAN2A). Also called: HSAN IIA; MORVAN DISEASE; NEUROPATHY, CONGENITAL SENSORY; NEUROPATHY, HEREDITARY SENSORY RADICULAR, AUTOSOMAL RECESSIVE; NEUROPATHY, HEREDITARY SENSORY, TYPE IIA; NEUROPATHY, PROGRESSIVE SENSORY, OF CHILDREN. Identifiers: Orphanet 970, MedGen C2752089, MONDO:0024309, OMIM 201300.
Generalized epilepsy with febrile seizures plus, type 7 (GEFSP7). Also called: GEFS+, TYPE 7. Identifiers: Orphanet 36387, MedGen C2751778, MONDO:0013470, OMIM 613863.

gnomAD v4.1: 1 of 1,580,280 alleles (0.000063%); no homozygotes.

Submission:

Labcorp Genetics (formerly Invitae), Labcorp
Classification: Uncertain significance for Neuropathy, hereditary sensory and autonomic, type 2A; Generalized epilepsy with febrile seizures plus, type 7. Last evaluated: 2021-08-16. Review status: criteria provided, single submitter. Criteria: Invitae Variant Classification Sherloc (09022015). Collection method: clinical testing. Allele origin: germline.
Comment: In summary, the available evidence is currently insufficient to determine the role of this variant in disease. Therefore, it has been classified as a Variant of Uncertain Significance. Algorithms developed to predict the effect of missense changes on protein structure and function (SIFT, PolyPhen-2, Align-GVGD) all suggest that this variant is likely to be tolerated. This variant has not been reported in the literature in individuals affected with SCN9A-related conditions. This variant is not present in population databases (ExAC no frequency). This sequence change replaces cysteine with serine at codon 134 of the SCN9A protein (p.Cys134Ser). The cysteine residue is highly conserved and there is a moderate physicochemical difference between cysteine and serine.